The following is an entry in ClinVar:

NM_178822.5(IGSF10):c.3051C>A (p.Gly1017=)

Gene: IGSF10 (immunoglobulin superfamily member 10; minus strand). Cytogenetic location: 3q25.1.
Variant type: single nucleotide variant.
Coding change: c.3051C>A on transcript NM_178822.5 (MANE Select); coding-DNA position 3051, C replaced by A.
Protein change: p.Gly1017=; no amino-acid change (glycine 1017 retained).
Molecular consequence: synonymous variant.
Genome position (GRCh38, 1-based): chr3:151,446,930, G>T on the plus strand (C>A on the coding strand, the complement: IGSF10 is on the minus strand). VCF-style: chr3-151446930-G-T. GRCh37 (hg19) VCF-style: chr3-151164718-G-T.
Other names: c.3051C>A, p.Gly1017= (NM_001385060.1, NM_001385061.1, NM_001385062.1 and 1 more transcripts).
Identifiers: ClinVar variation 3040631 (VCV003040631.2), dbSNP rs375820554, ClinGen allele CA85736910.

ClinVar aggregate classification (germline): Likely benign (0 of 4 stars; one submission).

Conditions:
IGSF10-related disorder. Also called: IGSF10-related condition.

gnomAD v4.1: 29 of 1,613,996 alleles (0.0018%); highest among the groups gnomAD compares: Middle Eastern, 0.033%; no homozygotes.

Submission:

PreventionGenetics, part of Exact Sciences
Classification: Likely benign for IGSF10-related condition. Last evaluated: 2019-09-18. Review status: no assertion criteria provided. Collection method: clinical testing. Allele origin: germline.
Comment: This variant is classified as likely benign based on ACMG/AMP sequence variant interpretation guidelines (Richards et al. 2015 PMID: 25741868, with internal and published modifications).